The following is an entry in ClinVar:

NM_003743.5(NCOA1):c.1540A>C (p.Thr514Pro)

Gene: NCOA1 (nuclear receptor coactivator 1; plus strand). Cytogenetic location: 2p23.3.
Variant type: single nucleotide variant.
Coding change: c.1540A>C on transcript NM_003743.5 (MANE Select); coding-DNA position 1540, A replaced by C.
Protein change: p.Thr514Pro; replaces threonine 514 with proline.
Molecular consequence: missense variant.
Genome position (GRCh38, 1-based): chr2:24,707,010, A>C. VCF-style: chr2-24707010-A-C. GRCh37 (hg19) VCF-style: chr2-24929879-A-C.
Other names: c.1540A>C, p.Thr514Pro (NM_001362950.1, NM_001362952.1, NM_001362954.1 and 3 more transcripts); short protein forms T514P.
Identifiers: ClinVar variation 4987862 (VCV004987862.1).

ClinVar aggregate classification (germline): Uncertain significance (1 of 4 stars; one submission).

Conditions:
NCOA1-related disorder. Also called: NCOA1-related condition.

Submission:

PreventionGenetics, part of Exact Sciences
Classification: Uncertain significance for NCOA1-related condition. Last evaluated: 2026-09-26. Review status: criteria provided, single submitter. Criteria: ACMG Guidelines, 2015. Collection method: clinical testing. Allele origin: germline.
Comment: The NCOA1 c.1540A>C variant is predicted to result in the amino acid substitution p.Thr514Pro. To our knowledge, this variant has not been reported in the literature or in a large population database (gnomAD), indicating this variant is rare. At this time, the clinical significance of this variant is uncertain due to the absence of conclusive functional and genetic evidence.